The following is an entry in ClinVar:

NM_001377.3(DYNC2H1):c.8190G>T (p.Leu2730Phe)

Gene: DYNC2H1 (dynein cytoplasmic 2 heavy chain 1; plus strand). Cytogenetic location: 11q22.3.
Variant type: single nucleotide variant.
Coding change: c.8190G>T on transcript NM_001377.3 (MANE Select); coding-DNA position 8190, G replaced by T.
Protein change: p.Leu2730Phe; replaces leucine 2730 with phenylalanine.
Molecular consequence: missense variant.
Genome position (GRCh38, 1-based): chr11:103,200,147, G>T. VCF-style: chr11-103200147-G-T. GRCh37 (hg19) VCF-style: chr11-103070876-G-T.
Other names: c.8190G>T, p.Leu2730Phe (NM_001080463.2); c.8190G>T (NM_001080463.1); short protein forms L2730F.
Identifiers: ClinVar variation 807595 (VCV000807595.12), dbSNP rs770800903, ClinGen allele CA6254397.
Genomic context (GRCh38, chr11:103,200,147, plus strand): 5'-ACTTCTTGAGGATTACCAGTTTGTACATCCTACATTTTTGGAGATGATCAATAGCCTTTT[G>T]TCTTCAGGCAAGTGAACAGTTTCTTTTCGAAGAAAATAAAAATAATGGCATAAAAATTAT-3'
Protein context (NP_001368.2, residues 2720-2740): PTFLEMINSL[Leu2730Phe]SSGEVPGLYT

ClinVar aggregate classification (germline): Conflicting classifications of pathogenicity. Review status: criteria provided, conflicting classifications (1 of 4 stars). 7 submissions from 7 submitters: Pathogenic (1); Likely pathogenic (5); Uncertain significance (1). Last evaluated 2025-12-28.

Conditions:
DYNC2H1-related disorder. Also called: DYNC2H1-related condition; DYNC2H1-related disorders. Identifiers: MedGen CN378770.
Asphyxiating thoracic dystrophy 3. Also called: SHORT-RIB THORACIC DYSPLASIA 3 WITH OR WITHOUT POLYDACTYLY; POLYDACTYLY WITH NEONATAL CHONDRODYSTROPHY, TYPE I; SHORT-RIB THORACIC DYSPLASIA 3/6 WITH POLYDACTYLY, DIGENIC; Short rib polydactyly syndrome 2B; Saldino-Noonan Syndrome. Identifiers: Orphanet 474, Orphanet 93269, Orphanet 93270, Orphanet 93271, MedGen C0036069, MONDO:0013127, OMIM 613091.
Jeune thoracic dystrophy. Also called: Jeune syndrome; Infantile thoracic dystrophy; Thoracic pelvic phalangeal dystrophy; Jeune's syndrome; Chondroectodermal dysplasia-like syndrome; Short-rib thoracic dysplasia. Identifiers: Orphanet 474, MedGen C0265275, MONDO:0018770.

Allele frequency attached by ClinVar (database versions not stated): TOPMed below 0.00001; ExAC 0.00003.
gnomAD v4.1: 6 of 1,561,250 alleles (0.00038%); highest among the groups gnomAD compares: East Asian, 0.014%; no homozygotes.

Submissions (7):

Labcorp Genetics (formerly Invitae), Labcorp
Classification: Likely pathogenic for Jeune thoracic dystrophy. Last evaluated: 2025-12-28. Review status: criteria provided, single submitter. Criteria: Invitae Variant Classification Sherloc (09022015). Collection method: clinical testing. Allele origin: germline.
Comment: This sequence change replaces leucine, which is neutral and non-polar, with phenylalanine, which is neutral and non-polar, at codon 2730 of the DYNC2H1 protein (p.Leu2730Phe). The frequency data for this variant in the population databases is considered unreliable, as metrics indicate poor data quality at this position in the gnomAD database. This missense change has been observed in individual(s) with clinical features of DYNC2H1-related conditions (PMID: 36352425, 36797717, 37091781). In at least one individual the data is consistent with being in trans (on the opposite chromosome) from a pathogenic variant. ClinVar contains an entry for this variant (Variation ID: 807595). Invitae Evidence Modeling of protein sequence and biophysical properties (such as structural, functional, and spatial information, amino acid conservation, physicochemical variation, residue mobility, and thermodynamic stability) indicates that this missense variant is expected to disrupt DYNC2H1 protein function with a positive predictive value of 95%. In summary, the currently available evidence indicates that the variant is pathogenic, but additional data are needed to prove that conclusively. Therefore, this variant has been classified as Likely Pathogenic.

Blueprint Genetics
Classification: Likely pathogenic for DYNC2H1-related disorders. Last evaluated: 2024-04-04. Review status: criteria provided, single submitter. Criteria: ACMG Guidelines, 2015. Collection method: clinical testing. Allele origin: germline. Affected: yes. Observed: 1 variant allele.

Fulgent Genetics
Classification: Likely pathogenic for Asphyxiating thoracic dystrophy 3. Last evaluated: 2023-12-30. Review status: criteria provided, single submitter. Criteria: ACMG Guidelines, 2015. Collection method: clinical testing. Allele origin: germline.

Women's Health and Genetics/Laboratory Corporation of America, LabCorp
Classification: Uncertain significance. Last evaluated: 2023-10-26. Review status: criteria provided, single submitter. Criteria: LabCorp Variant Classification Summary - May 2015. Collection method: clinical testing. Allele origin: germline.
Comment: Variant summary: DYNC2H1 c.8190G>T (p.Leu2730Phe) results in a non-conservative amino acid change located in the Dynein heavy chain, AAA module D4 domain (IPR024317) of the encoded protein sequence. Four of five in-silico tools predict a damaging effect of the variant on protein function. The variant allele was found at a frequency of 1.6e-05 in 183264 control chromosomes (gnomAD). c.8190G>T has been reported in the literature in individuals affected with Short-rib thoracic dysplasia (examples: Bai_2022 and Chen_2023). These data indicate that the variant may be associated with disease. To our knowledge, no experimental evidence demonstrating an impact on protein function has been reported. The following publications have been ascertained in the context of this evaluation (PMID: 36352425, 37091781, 36797717). One submitter has cited clinical-significance assessments for this variant to ClinVar after 2014 and has classified the variant as likely pathogenic. Based on the evidence outlined above, the variant was classified as VUS-possibly pathogenic.

GeneDx
Classification: Likely pathogenic. Last evaluated: 2023-05-02. Review status: criteria provided, single submitter. Criteria: GeneDx Variant Classification Process June 2021. Collection method: clinical testing. Allele origin: germline. Affected: yes.
Comment: In silico analysis supports that this missense variant has a deleterious effect on protein structure/function; This variant is associated with the following publications: (PMID: 36352425, 36797717, 37091781)

Institute of Human Genetics Munich, TUM University Hospital
Classification: Likely pathogenic for Asphyxiating thoracic dystrophy 3. Last evaluated: 2019-02-22. Review status: criteria provided, single submitter. Criteria: Classification criteria August 2017. Collection method: clinical testing. Allele origin: paternal. Inheritance: Autosomal recessive inheritance. Affected: yes. Observed: 1 compound heterozygote.

Juno Genomics, Hangzhou Juno Genomics, Inc
Classification: Pathogenic for Asphyxiating thoracic dystrophy 3. Review status: criteria provided, single submitter. Criteria: ACMG Guidelines, 2015. Collection method: clinical testing. Allele origin: germline. Affected: yes.
Comment: Absent from controls (or at extremely low frequency if recessive) in Genome Aggregation Database.;For recessive disorders, detected in trans with a pathogenic variant.;Patient's phenotype or family history is highly specific for a disease with a single genetic etiology.

Literature cited by the submitters: PubMed 36352425 (cited by Labcorp Genetics (formerly Invitae), Labcorp and Women's Health and Genetics/Laboratory Corporation of America, LabCorp); PubMed 36797717 (cited by Labcorp Genetics (formerly Invitae), Labcorp and Women's Health and Genetics/Laboratory Corporation of America, LabCorp); PubMed 37091781 (cited by Labcorp Genetics (formerly Invitae), Labcorp and Women's Health and Genetics/Laboratory Corporation of America, LabCorp).